The following is an entry in ClinVar:

ClinVar aggregate classification (germline): Uncertain significance. Review status: criteria provided, multiple submitters, no conflicts (2 of 4 stars). 2 submissions from 2 submitters: Uncertain significance (2). Last evaluated 2023-02-01.

Submissions (2):

Blueprint Genetics
Classification: Uncertain significance. Last evaluated: 2023-02-01. Review status: criteria provided, single submitter. Criteria: ACMG Guidelines, 2015. Collection method: clinical testing. Allele origin: germline.

Labcorp Genetics (formerly Invitae), Labcorp
Classification: Uncertain significance. Last evaluated: 2021-06-07. Review status: criteria provided, single submitter. Criteria: Invitae Variant Classification Sherloc (09022015). Collection method: clinical testing. Allele origin: germline.
Comment: This variant has not been reported in the literature in individuals with CDHR1-related conditions. Advanced modeling of protein sequence and biophysical properties (such as structural, functional, and spatial information, amino acid conservation, physicochemical variation, residue mobility, and thermodynamic stability) performed at Invitae indicates that this missense variant is not expected to disrupt CDHR1 protein function. In summary, the available evidence is currently insufficient to determine the role of this variant in disease. Therefore, it has been classified as a Variant of Uncertain Significance. This sequence change replaces proline with arginine at codon 748 of the CDHR1 protein (p.Pro748Arg). The proline residue is highly conserved and there is a moderate physicochemical difference between proline and arginine. This variant is not present in population databases (ExAC no frequency).

NM_033100.4(CDHR1):c.2243C>G (p.Pro748Arg)

Gene: CDHR1 (cadherin related family member 1; plus strand). Cytogenetic location: 10q23.1.
Variant type: single nucleotide variant.
Coding change: c.2243C>G on transcript NM_033100.4 (MANE Select); coding-DNA position 2243, C replaced by G.
Protein change: p.Pro748Arg; replaces proline 748 with arginine.
Molecular consequence: missense variant. On other transcripts: intron variant (1).
Genome position (GRCh38, 1-based): chr10:84,214,284, C>G. VCF-style: chr10-84214284-C-G. GRCh37 (hg19) VCF-style: chr10-85974040-C-G.
Other names: c.2040+936C>G (NM_001171971.3); short protein forms P748R.
Identifiers: ClinVar variation 1359825 (VCV001359825.9), dbSNP rs2132837298, ClinGen allele CA377379579.